The following is an entry in ClinVar:

ClinVar aggregate classification (germline): Uncertain significance (1 of 4 stars; one submission).

Conditions:
Charcot-Marie-Tooth disease type 2. Also called: Charcot-Marie-Tooth type 2. Identifiers: Orphanet 64746, MedGen C0270914, MONDO:0018993.

Submission:

Labcorp Genetics (formerly Invitae), Labcorp
Classification: Uncertain significance for Charcot-Marie-Tooth disease type 2. Last evaluated: 2025-07-13. Review status: criteria provided, single submitter. Criteria: Invitae Variant Classification Sherloc (09022015). Collection method: clinical testing. Allele origin: germline.
Comment: This sequence change replaces phenylalanine, which is neutral and non-polar, with cysteine, which is neutral and slightly polar, at codon 18 of the AARS protein (p.Phe18Cys). This variant is not present in population databases (gnomAD no frequency). This variant has not been reported in the literature in individuals affected with AARS-related conditions. Invitae Evidence Modeling of protein sequence and biophysical properties (such as structural, functional, and spatial information, amino acid conservation, physicochemical variation, residue mobility, and thermodynamic stability) indicates that this missense variant is expected to disrupt AARS protein function with a positive predictive value of 95%. In summary, the available evidence is currently insufficient to determine the role of this variant in disease. Therefore, it has been classified as a Variant of Uncertain Significance.

NM_001605.3(AARS1):c.53T>G (p.Phe18Cys)

Gene: AARS1 (alanyl-tRNA synthetase 1; minus strand). Cytogenetic location: 16q22.1.
Variant type: single nucleotide variant.
Coding change: c.53T>G on transcript NM_001605.3 (MANE Select); coding-DNA position 53, T replaced by G.
Protein change: p.Phe18Cys; replaces phenylalanine 18 with cysteine.
Molecular consequence: missense variant.
Genome position (GRCh38, 1-based): chr16:70,282,711, A>C on the plus strand (T>G on the coding strand, the complement: AARS1 is on the minus strand). VCF-style: chr16-70282711-A-C. GRCh37 (hg19) VCF-style: chr16-70316614-A-C.
Other names: short protein forms F18C.
Identifiers: ClinVar variation 4705442 (VCV004705442.1).